The following is an entry in ClinVar:

ClinVar aggregate classification (germline): Benign. Review status: criteria provided, multiple submitters, no conflicts (2 of 4 stars). 7 submissions from 5 submitters: Benign (6). 1 of the submissions does not count toward it. Last evaluated 2026-02-02.

Conditions:
Corticosterone 18-monooxygenase deficiency. Also called: ALDOSTERONE DEFICIENCY DUE TO DEFECT IN STEROID 18-HYDROXYLASE; ALDOSTERONE DEFICIENCY I; CMO I DEFICIENCY; STEROID 18-HYDROXYLASE DEFICIENCY; 18 Hydroxylase deficiency; Aldosterone deficiency due to defect in 18 hydroxylase. Identifiers: Orphanet 427, MedGen C0268293, MONDO:0008751, OMIM 203400. Disease mechanism: loss of function.
Corticosterone methyloxidase type 2 deficiency. Also called: 18-OXIDASE DEFICIENCY; ALDOSTERONE DEFICIENCY DUE TO DEFICIENCY OF STEROID 18-OXIDASE; ALDOSTERONE DEFICIENCY II; CMO II DEFICIENCY; STEROID 18-OXIDASE DEFICIENCY. Identifiers: Orphanet 427, MedGen C3463917, MONDO:0012524, OMIM 610600. Disease mechanism: loss of function.
Glucocorticoid-remediable aldosteronism. Also called: Hyperaldosteronism, familial, type I; ACTH-DEPENDENT HYPERALDOSTERONISM SYNDROME; ALDOSTERONISM, SENSITIVE TO DEXAMETHASONE; FH I; GLUCOCORTICOID-SUPPRESSIBLE HYPERALDOSTERONISM. Identifiers: Orphanet 403, MedGen C3838731, MONDO:0007080, OMIM 103900.
Corticosterone methyl oxidase type II deficiency.

Allele frequency attached by ClinVar (database versions not stated): gnomAD 0.10696 and 0.11194; ESP Exome Variant Server 0.11641; TOPMed 0.11921; 1000 Genomes Project 0.13399; 1000 Genomes Project 30x 0.14007.

Submissions (7):

Labcorp Genetics (formerly Invitae), Labcorp
Classification: Benign. Last evaluated: 2026-02-02. Review status: criteria provided, single submitter. Criteria: Invitae Variant Classification Sherloc (09022015). Collection method: clinical testing. Allele origin: germline.

Mayo Clinic Laboratories, Mayo Clinic
Classification: Benign. Last evaluated: 2022-03-09. Review status: criteria provided, single submitter. Criteria: ACMG Guidelines, 2015. Collection method: clinical testing. Allele origin: germline. Observed: 21 variant alleles.

Illumina Laboratory Services, Illumina
Classification: Benign for Corticosterone methyloxidase type 2 deficiency. Last evaluated: 2018-01-13. Review status: criteria provided, single submitter. Criteria: ICSL Variant Classification Criteria 13 December 2019. Collection method: clinical testing. Allele origin: germline.
Comment: This variant was observed in the ICSL laboratory as part of a predisposition screen in an ostensibly healthy population. It had not been previously curated by ICSL or reported in the Human Gene Mutation Database (HGMD: prior to June 1st, 2018), and was therefore a candidate for classification through an automated scoring system. Utilizing variant allele frequency, disease prevalence and penetrance estimates, and inheritance mode, an automated score was calculated to assess if this variant is too frequent to cause the disease. Based on the score and internal cut-off values, a variant classified as benign is not then subjected to further curation. The score for this variant resulted in a classification of benign for this disease.

Illumina Laboratory Services, Illumina
Classification: Benign for Corticosterone 18-monooxygenase deficiency. Last evaluated: 2018-01-13. Review status: criteria provided, single submitter. Criteria: ICSL Variant Classification Criteria 13 December 2019. Collection method: clinical testing. Allele origin: germline.
Comment: the same text as in the submission from Illumina Laboratory Services, Illumina above.

Illumina Laboratory Services, Illumina
Classification: Benign for Hyperaldosteronism, familial, type I. Last evaluated: 2018-01-13. Review status: criteria provided, single submitter. Criteria: ICSL Variant Classification Criteria 13 December 2019. Collection method: clinical testing. Allele origin: germline.
Comment: the same text as in the submission from Illumina Laboratory Services, Illumina above.

Breakthrough Genomics
Classification: Benign. Review status: criteria provided, single submitter. Criteria: ACMG Guidelines, 2015. Collection method: not provided. Allele origin: germline. Inheritance: Autosomal recessive inheritance. Affected: yes.

Natera, Inc.
Classification: Benign for Corticosterone methyl oxidase type II deficiency. Last evaluated: 2019-11-22. Review status: no assertion criteria provided. Collection method: clinical testing. Allele origin: germline. Not counted in ClinVar's aggregate classification.

NM_000498.3(CYP11B2):c.1170G>A (p.Leu390=)

Genes: CYP11B2 (cytochrome P450 family 11 subfamily B member 2; minus strand), LOC106799834 (CYP11B2 recombination region; plus strand). Cytogenetic location: 8q24.3.
Variant type: single nucleotide variant.
Coding change: c.1170G>A on transcript NM_000498.3 (MANE Select); coding-DNA position 1170, G replaced by A.
Protein change: p.Leu390=; no amino-acid change (leucine 390 retained).
Molecular consequence: synonymous variant.
Genome position (GRCh38, 1-based): chr8:142,912,837, C>T on the plus strand (G>A on the coding strand, the complement: CYP11B2 is on the minus strand). VCF-style: chr8-142912837-C-T. GRCh37 (hg19) VCF-style: chr8-143994253-C-T.
Other names: p.Leu390=.
Identifiers: ClinVar variation 362193 (VCV000362193.16), dbSNP rs5313, ClinGen allele CA4905905.